The following is an entry in ClinVar:

ClinVar aggregate classification (germline): Benign. Review status: criteria provided, multiple submitters, no conflicts (2 of 4 stars). 3 submissions from 3 submitters: Benign (3). Last evaluated 2026-01-30.

Conditions:
5-Oxoprolinase deficiency (OPLAHD). Also called: 5-OXOPROLINURIA DUE TO 5-OXOPROLINASE DEFICIENCY. Identifiers: Orphanet 33572, MedGen C0268525, MONDO:0009825, OMIM 260005, HP:0040142.
OPLAH-related disorder. Also called: OPLAH-related condition.

Allele frequency attached by ClinVar (database versions not stated): 1000 Genomes Project 0.00958; 1000 Genomes Project 30x 0.01077; TOPMed 0.02152; gnomAD 0.02188 and 0.02230; ESP Exome Variant Server 0.02302; gnomAD exomes 0.02477 and 0.03161; ExAC 0.02531.
gnomAD v4.1: 48,279 of 1,577,552 alleles (3.1%); highest among the groups gnomAD compares: Middle Eastern, 3.6%; 845 homozygotes.

Submissions (3):

Labcorp Genetics (formerly Invitae), Labcorp
Classification: Benign for 5-Oxoprolinase deficiency. Last evaluated: 2026-01-30. Review status: criteria provided, single submitter. Criteria: Invitae Variant Classification Sherloc (09022015). Collection method: clinical testing. Allele origin: germline.

PreventionGenetics, part of Exact Sciences
Classification: Benign for OPLAH-related condition. Last evaluated: 2025-04-08. Review status: criteria provided, single submitter. Criteria: ACMG Guidelines, 2015. Collection method: clinical testing. Allele origin: germline.
Comment: This variant is classified as benign based on ACMG/AMP sequence variant interpretation guidelines (Richards et al. 2015 PMID: 25741868, with internal and published modifications).

Breakthrough Genomics
Classification: Benign. Review status: criteria provided, single submitter. Criteria: ACMG Guidelines, 2015. Collection method: not provided. Allele origin: germline. Inheritance: Autosomal recessive inheritance. Affected: yes.

NM_017570.5(OPLAH):c.3462-9C>T

Gene: OPLAH (5-oxoprolinase, ATP-hydrolysing; minus strand). Cytogenetic location: 8q24.3.
Variant type: single nucleotide variant.
Coding change: c.3462-9C>T on transcript NM_017570.5 (MANE Select); 9 bases into the intron before coding-DNA position 3462, C replaced by T.
Molecular consequence: intron variant.
Genome position (GRCh38, 1-based): chr8:144,052,085, G>A on the plus strand (C>T on the coding strand, the complement: OPLAH is on the minus strand). VCF-style: chr8-144052085-G-A. GRCh37 (hg19) VCF-style: chr8-145106988-G-A.
Other names: c.3462-9C>T (NM_017570.4).
Identifiers: ClinVar variation 1164779 (VCV001164779.9), dbSNP rs148291810, ClinGen allele CA187612694.